The following is an entry in ClinVar:

ClinVar aggregate classification (germline): Conflicting classifications of pathogenicity. Review status: criteria provided, conflicting classifications (1 of 4 stars). 5 submissions from 5 submitters: Uncertain significance (2); Benign (1); Likely benign (1). 1 of the submissions does not count toward it. Last evaluated 2026-09-01.

Conditions:
Aicardi-Goutieres syndrome 9. Identifiers: MedGen C5561966, MONDO:0030362, OMIM 619487.

Allele frequency attached by ClinVar (database versions not stated): 1000 Genomes Project 0.00439; 1000 Genomes Project 30x 0.00468.
gnomAD v4.1: 3,550 of 934,242 alleles (0.38%); highest among the groups gnomAD compares: African/African-American, 1.3%; 9 homozygotes.

Submissions (5):

CeGaT Center for Human Genetics Tuebingen
Classification: Benign. Last evaluated: 2026-09-01. Review status: criteria provided, single submitter. Criteria: CeGaT Center For Human Genetics Tuebingen Variant Classification Criteria Version 2. Collection method: clinical testing. Allele origin: germline. Affected: yes. Observed: 15 variant alleles.
Comment: C12orf57: BS1, BS2; RNU7-1: BS1, BS2

Women's Health and Genetics/Laboratory Corporation of America, LabCorp
Classification: Uncertain significance. Last evaluated: 2026-02-23. Review status: criteria provided, single submitter. Criteria: LabCorp Variant Classification Summary - May 2015. Collection method: clinical testing. Allele origin: germline.
Comment: Variant summary: RNU7-1 n.51C>T alters a nucleotide in the non-coding RNA. The variant allele was found at a frequency of 0.0038 in 934242 control chromosomes in the gnomAD database, including 9 homozygotes. The observed variant frequency exceeds the estimated maximal expected allele frequency for disease-causing variants in RNU7-1. n.51C>T has been observed in individuals affected with Aicardi-Goutieres syndrome (Uggenti_2020). These data indicate that the variant is likely to be associated with disease. To our knowledge, no experimental evidence demonstrating an impact on protein function has been reported. The following publication has been ascertained in the context of this evaluation (PMID: 33230297). ClinVar contains an entry for this variant (Variation ID: 1202613). Based on the evidence outlined above, the variant was classified as uncertain significance.

Mayo Clinic Laboratories, Mayo Clinic
Classification: Uncertain significance. Last evaluated: 2024-03-12. Review status: criteria provided, single submitter. Criteria: ACMG Guidelines, 2015. Collection method: clinical testing. Allele origin: germline. Observed: 5 variant alleles.
Comment: BS1, BS2, PM3, PS3

GeneDx
Classification: Likely benign. Last evaluated: 2021-04-07. Review status: criteria provided, single submitter. Criteria: GeneDx Variant Classification Process June 2021. Collection method: clinical testing. Allele origin: germline. Affected: yes.

OMIM
Classification: Pathogenic for AICARDI-GOUTIERES SYNDROME 9. Last evaluated: 2021-08-16. Review status: no assertion criteria provided. Collection method: literature only. Allele origin: germline. Not counted in ClinVar's aggregate classification.

Literature cited by the submitters: PubMed 33230297 (cited by 3 submitters).

NR_023317.1(RNU7-1):n.51C>T

Genes: C12orf57 (chromosome 12 open reading frame 57; plus strand), RNU7-1 (RNA, U7 small nuclear 1; plus strand). Cytogenetic location: 12p13.31.
Variant type: single nucleotide variant.
Molecular consequence: non-coding transcript variant (on NR_023317.1). On other transcripts: intron variant (2).
Genome position: GRCh38 VCF-style: chr12-6943866-C-T. GRCh37 (hg19) VCF-style: chr12-7053029-C-T.
Other names: 51C-T; c.-16+204C>T (NM_001301834.1); c.13+204C>T (NM_001301836.2).
Identifiers: ClinVar variation 1202613 (VCV001202613.29), dbSNP rs139594532, ClinGen allele CA232435380.
Genomic context (GRCh38, chr12:6,943,866, plus strand): 5'-ACATACGCAGCAGTGTTACAGCTCTTTTAGAATTTGTCTAGTAGGCTTTCTGGCTTTTTA[C>T]CGGAAAGCCCCTCTTATGATGTTTGTTGCCAATGATAGATTGTTTTCACTGTGCAAAAAT-3'